The following is an entry in ClinVar:

ClinVar aggregate classification (germline): Uncertain significance (1 of 4 stars; one submission).

Submission:

GeneDx
Classification: Uncertain significance. Last evaluated: 2024-10-07. Review status: criteria provided, single submitter. Criteria: GeneDx Variant Classification Process June 2021. Collection method: clinical testing. Allele origin: germline. Affected: yes.
Comment: Not observed at significant frequency in large population cohorts (gnomAD); In silico analysis indicates that this missense variant does not alter protein structure/function; Has not been previously published as pathogenic or benign to our knowledge

NM_015335.5(MED13L):c.6314A>G (p.Lys2105Arg)

Gene: MED13L (mediator complex subunit 13L; minus strand). Cytogenetic location: 12q24.21.
Variant type: single nucleotide variant.
Coding change: c.6314A>G on transcript NM_015335.5 (MANE Select); coding-DNA position 6314, A replaced by G.
Protein change: p.Lys2105Arg; replaces lysine 2105 with arginine.
Molecular consequence: missense variant.
Genome position (GRCh38, 1-based): chr12:115,966,155, T>C on the plus strand (A>G on the coding strand, the complement: MED13L is on the minus strand). VCF-style: chr12-115966155-T-C. GRCh37 (hg19) VCF-style: chr12-116403960-T-C.
Other names: short protein forms K2105R.
Identifiers: ClinVar variation 3776736 (VCV003776736.1).
Genomic context (GRCh38, chr12:115,966,155, plus strand): 5'-GGGCACTGGTTTTGAGCCTGGGGACACGATGACCAAAACCACTGGGGAAGATTCTCAGCT[T>C]TGGCAGTTGATACAAAATACCCAAGGGCCAGGGGCTGCTGCTTTAGCTCCTCTGGTGCTT-3'
Protein context (NP_056150.1, residues 2095-2115): LALGYFVSTA[Lys2105Arg]AENLPQWFWS